The following is an entry in ClinVar:

ClinVar aggregate classification (germline): Benign/Likely benign. Review status: criteria provided, multiple submitters, no conflicts (2 of 4 stars). 2 submissions from 2 submitters: Benign (1); Likely benign (1). Last evaluated 2019-10-17.

Conditions:
Leigh syndrome (NULS). Also called: LEIGH SYNDROME, NUCLEAR; Leigh Syndrome (mtDNA deletion); Leigh Disease; Subacute necrotizing encephalopathy; Necrotizing encephalopathy infantile subacute of Leigh; Leigh's necrotizing encephalopathy. Identifiers: Orphanet 506, MedGen C2931891, MONDO:0009723, OMIM 256000.

Submissions (2):

Wong Mito Lab, Molecular and Human Genetics, Baylor College of Medicine
Classification: Benign for Leigh syndrome. Last evaluated: 2019-10-17. Review status: criteria provided, single submitter. Criteria: Modified ACMG Guidelines (Unpublished). Collection method: clinical testing. Allele origin: germline.
Comment: The NC_012920.1:m.9966G>A (YP_003024032.1:p.Val254Ile) variant in MTCO3 gene is interpretated to be a Benign variant based on the modified ACMG guidelines (unpublished). This variant meets the following evidence codes: BA1

Center for Pediatric Genomic Medicine, Children's Mercy Hospital and Clinics
Classification: Likely benign. Last evaluated: 2016-12-01. Review status: criteria provided, single submitter. Criteria: ACMG Guidelines, 2015. Collection method: clinical testing. Allele origin: germline.
ClinVar note: Converted during submission from Likely Benign to Likely benign.

NC_012920.1(MT-CO3):m.9966G>A

Gene: MT-CO3 (mitochondrially encoded cytochrome c oxidase III; plus strand).
Variant type: single nucleotide variant.
Genome position: chrM-9966-G-A.
Identifiers: ClinVar variation 377020 (VCV000377020.4), dbSNP rs200809063, ClinGen allele CA16603234.